The following is an entry in ClinVar:

NM_001079520.2(DACT1):c.1240C>G (p.His414Asp)

Gene: DACT1 (dishevelled binding antagonist of beta catenin 1; plus strand). Cytogenetic location: 14q23.1.
Variant type: single nucleotide variant.
Coding change: c.1240C>G on transcript NM_001079520.2 (MANE Select); coding-DNA position 1240, C replaced by G.
Protein change: p.His414Asp; replaces histidine 414 with aspartic acid.
Molecular consequence: missense variant. On other transcripts: non-coding transcript variant (5).
Genome position (GRCh38, 1-based): chr14:58,645,974, C>G. VCF-style: chr14-58645974-C-G. GRCh37 (hg19) VCF-style: chr14-59112692-C-G.
Other names: c.1351C>G, p.His451Asp (NM_016651.6); short protein forms H451D, H414D.
Identifiers: ClinVar variation 3499560 (VCV003499560.2).

ClinVar aggregate classification (germline): Conflicting classifications of pathogenicity. Review status: criteria provided, conflicting classifications (1 of 4 stars). 2 submissions from 2 submitters: Uncertain significance (1); Likely benign (1). Last evaluated 2026-08-01.

gnomAD v4.1: 9 of 1,613,648 alleles (0.00056%); highest among the groups gnomAD compares: Admixed American, 0.013%; no homozygotes.

Submissions (2):

CeGaT Center for Human Genetics Tuebingen
Classification: Likely benign. Last evaluated: 2026-08-01. Review status: criteria provided, single submitter. Criteria: CeGaT Center For Human Genetics Tuebingen Variant Classification Criteria Version 2. Collection method: clinical testing. Allele origin: germline. Affected: yes. Observed: 1 variant allele.
Comment: DACT1: BP4

Ambry Genetics
Classification: Uncertain significance. Last evaluated: 2024-10-01. Review status: criteria provided, single submitter. Criteria: Ambry Variant Classification Scheme 2023. Collection method: clinical testing. Allele origin: germline.